The following is an entry in ClinVar:

ClinVar aggregate classification (germline): Uncertain significance. Review status: criteria provided, multiple submitters, no conflicts (2 of 4 stars). 2 submissions from 2 submitters: Uncertain significance (2). Last evaluated 2025-04-11.

Conditions:
Inborn genetic diseases. Identifiers: MedGen C0950123, MeSH D030342.

Allele frequency attached by ClinVar (database versions not stated): gnomAD 0.00002; TOPMed 0.00002.
gnomAD v4.1: 15 of 1,613,678 alleles (0.00093%); highest among the groups gnomAD compares: Admixed American, 0.0017%; 1 homozygote.

Submissions (2):

Ambry Genetics
Classification: Uncertain significance for Inborn genetic diseases. Last evaluated: 2025-04-11. Review status: criteria provided, single submitter. Criteria: Ambry Variant Classification Scheme 2023. Collection method: clinical testing. Allele origin: germline.

Labcorp Genetics (formerly Invitae), Labcorp
Classification: Uncertain significance. Last evaluated: 2024-03-12. Review status: criteria provided, single submitter. Criteria: Invitae Variant Classification Sherloc (09022015). Collection method: clinical testing. Allele origin: germline.
Comment: This sequence change replaces alanine, which is neutral and non-polar, with serine, which is neutral and polar, at codon 478 of the FREM1 protein (p.Ala478Ser). This variant is present in population databases (rs768091023, gnomAD 0.004%). This variant has not been reported in the literature in individuals affected with FREM1-related conditions. Advanced modeling of protein sequence and biophysical properties (such as structural, functional, and spatial information, amino acid conservation, physicochemical variation, residue mobility, and thermodynamic stability) performed at Invitae indicates that this missense variant is not expected to disrupt FREM1 protein function with a negative predictive value of 80%. In summary, the available evidence is currently insufficient to determine the role of this variant in disease. Therefore, it has been classified as a Variant of Uncertain Significance.

NM_001379081.2(FREM1):c.1432G>T (p.Ala478Ser)

Gene: FREM1 (FRAS1 related extracellular matrix 1; minus strand). Cytogenetic location: 9p22.3.
Variant type: single nucleotide variant.
Coding change: c.1432G>T on transcript NM_001379081.2 (MANE Select); coding-DNA position 1432, G replaced by T.
Protein change: p.Ala478Ser; replaces alanine 478 with serine.
Molecular consequence: missense variant. On other transcripts: non-coding transcript variant (2).
Genome position (GRCh38, 1-based): chr9:14,842,622, C>A on the plus strand (G>T on the coding strand, the complement: FREM1 is on the minus strand). VCF-style: chr9-14842622-C-A. GRCh37 (hg19) VCF-style: chr9-14842620-C-A.
Other names: c.1432G>T, p.Ala478Ser (NM_144966.7); c.1432G>T (NM_144966.5); short protein forms A478S.
Identifiers: ClinVar variation 2912600 (VCV002912600.4), dbSNP rs768091023, ClinGen allele CA4991239.